The following is an entry in ClinVar:

NM_001166108.2(PALLD):c.3130G>A (p.Val1044Met)

Genes: CBR4 (carbonyl reductase 4; minus strand), PALLD (palladin, cytoskeletal associated protein; plus strand). Cytogenetic location: 4q32.3.
Variant type: single nucleotide variant.
Coding change: c.3130G>A on transcript NM_001166108.2 (MANE Select); coding-DNA position 3130, G replaced by A.
Protein change: p.Val1044Met; replaces valine 1044 with methionine.
Molecular consequence: missense variant.
Genome position (GRCh38, 1-based): chr4:168,924,326, G>A. VCF-style: chr4-168924326-G-A. GRCh37 (hg19) VCF-style: chr4-169845477-G-A.
Other names: c.1933G>A, p.Val645Met (NM_001166109.2); c.1618G>A, p.Val540Met (NM_001166110.2); c.958G>A, p.Val320Met (NM_001367567.1, NM_001367569.1); c.1009G>A, p.Val337Met (NM_001367568.1, NM_001367570.1); c.3079G>A, p.Val1027Met (NM_016081.4); short protein forms V540M, V337M, V1044M, V320M, V645M, V1027M.
Identifiers: ClinVar variation 1727338 (VCV001727338.2), dbSNP rs2534251614, ClinGen allele CA358712148.

ClinVar aggregate classification (germline): Uncertain significance (1 of 4 stars; one submission).

Submission:

Ambry Genetics
Classification: Uncertain significance. Last evaluated: 2024-01-12. Review status: criteria provided, single submitter. Criteria: Ambry Variant Classification Scheme 2023. Collection method: clinical testing. Allele origin: germline.
Comment: The p.V1027M variant (also known as c.3079G>A), located in coding exon 17 of the PALLD gene, results from a G to A substitution at nucleotide position 3079. The valine at codon 1027 is replaced by methionine, an amino acid with highly similar properties. This amino acid position is conserved. In addition, this alteration is predicted to be deleterious by in silico analysis. Since supporting evidence is limited at this time, the clinical significance of this alteration remains unclear.